The following is an entry in ClinVar:

NM_000553.6(WRN):c.3982+1G>T

Gene: WRN (WRN RecQ like helicase; plus strand). Cytogenetic location: 8p12.
Variant type: single nucleotide variant.
Coding change: c.3982+1G>T on transcript NM_000553.6 (MANE Select); the canonical splice donor site of the intron after coding-DNA position 3982, G replaced by T.
Molecular consequence: splice donor variant.
Genome position (GRCh38, 1-based): chr8:31,157,531, G>T. VCF-style: chr8-31157531-G-T. GRCh37 (hg19) VCF-style: chr8-31015047-G-T.
Identifiers: ClinVar variation 952535 (VCV000952535.8), dbSNP rs1381370500, ClinGen allele CA370929776.
Genomic context (GRCh38, chr8:31,157,531, plus strand): 5'-TGACTCCAGAGGTTCAGAAGATTATTGCTGATGTTATCCGAAACCCTCCCGTCAACTCAG[G>T]TGAGAGGCATGGCCTAGCTCTGCACCCTTAATGACTTGATGAAGTAAACAAGCAATCCAC-3'

ClinVar aggregate classification (germline): Likely pathogenic. Review status: criteria provided, multiple submitters, no conflicts (2 of 4 stars). 2 submissions from 2 submitters: Likely pathogenic (2). Last evaluated 2023-09-21.

Conditions:
Werner syndrome (WRN). Identifiers: Orphanet 902, MedGen C0043119, MONDO:0010196, OMIM 277700.

Allele frequency attached by ClinVar (database versions not stated): gnomAD exomes below 0.00001; TOPMed below 0.00001.
gnomAD v4.1: 1 of 1,614,046 alleles (0.000062%); highest among the groups gnomAD compares: African/African-American, 0.0013%; no homozygotes.

Submissions (2):

Labcorp Genetics (formerly Invitae), Labcorp
Classification: Likely pathogenic for Werner syndrome. Last evaluated: 2023-09-21. Review status: criteria provided, single submitter. Criteria: Invitae Variant Classification Sherloc (09022015). Collection method: clinical testing. Allele origin: germline.
Comment: This variant is present in population databases (no rsID available, gnomAD 0.007%). This sequence change affects a donor splice site in intron 33 of the WRN gene. It is expected to disrupt RNA splicing. Variants that disrupt the donor or acceptor splice site typically lead to a loss of protein function (PMID: 16199547), and loss-of-function variants in WRN are known to be pathogenic (PMID: 16673358). ClinVar contains an entry for this variant (Variation ID: 952535). This variant has not been reported in the literature in individuals affected with WRN-related conditions. In summary, the currently available evidence indicates that the variant is pathogenic, but additional data are needed to prove that conclusively. Therefore, this variant has been classified as Likely Pathogenic. Algorithms developed to predict the effect of sequence changes on RNA splicing suggest that this variant may disrupt the consensus splice site.

Baylor Genetics
Classification: Likely pathogenic for Werner syndrome. Last evaluated: 2023-03-22. Review status: criteria provided, single submitter. Criteria: ACMG Guidelines, 2015. Collection method: clinical testing. Allele origin: unknown.

Literature cited by the submitters: PubMed 16199547 (cited by Labcorp Genetics (formerly Invitae), Labcorp); PubMed 16673358 (cited by Labcorp Genetics (formerly Invitae), Labcorp).